The following is an entry in ClinVar:

Conditions:
Breast-ovarian cancer, familial, susceptibility to, 1 (BROVCA1). Also called: BRCA1 Hereditary Breast and Ovarian Cancer; OVARIAN CANCER, SUSCEPTIBILITY TO. Identifiers: Orphanet 145, MedGen C2676676, MONDO:0011450, OMIM 604370. Disease mechanism: loss of function.

gnomAD v4.1: 3 of 1,613,906 alleles (0.00019%); highest among the groups gnomAD compares: South Asian, 0.0033%; no homozygotes.

Submission:

Brotman Baty Institute, University of Washington
No classification provided (evidence only). Condition: Breast-ovarian cancer, familial 1. Review status: no classification provided. Collection method: in vitro. Allele origin: not applicable. Functional consequence: functionally_normal.
ClinVar note: "not provided" was previously submitted as the classification for the variant. However, the classification appeared to be based only on an observation of functional data so it was converted to no classification on 2025-07-30.

NM_007294.4(BRCA1):c.5331A>G (p.Thr1777=)

Gene: BRCA1 (BRCA1 DNA repair associated; minus strand). Cytogenetic location: 17q21.31.
Variant type: single nucleotide variant.
Coding change: c.5331A>G on transcript NM_007294.4 (MANE Select); coding-DNA position 5331, A replaced by G.
Protein change: p.Thr1777=; no amino-acid change (threonine 1777 retained).
Molecular consequence: synonymous variant. On other transcripts: intron variant (2).
Genome position (GRCh38, 1-based): chr17:43,051,064, T>C on the plus strand (A>G on the coding strand, the complement: BRCA1 is on the minus strand). VCF-style: chr17-43051064-T-C. GRCh37 (hg19) VCF-style: chr17-41203081-T-C.
Other names: c.1758A>G, p.Thr586= (NM_001408501.1, NM_001408496.1, NM_001408497.1 and 3 more transcripts); c.1755A>G, p.Thr585= (NM_001408502.1, NM_001408503.1, NM_001408504.1); c.1752A>G, p.Thr584= (NM_001408505.1); c.1695A>G, p.Thr565= (NM_001408506.1); c.1692A>G, p.Thr564= (NM_001408507.1); c.1683A>G, p.Thr561= (NM_001408508.1); c.1680A>G, p.Thr560= (NM_001408509.1); c.1641A>G, p.Thr547= (NM_001408510.1); and 74 more.
Identifiers: ClinVar variation 867998 (VCV000867998.3), dbSNP rs1411246255, ClinGen allele CA500143577.